The following is an entry in ClinVar:

NM_024422.6(DSC2):c.94T>G (p.Cys32Gly)

Gene: DSC2 (desmocollin 2; minus strand). Cytogenetic location: 18q12.1.
Variant type: single nucleotide variant.
Coding change: c.94T>G on transcript NM_024422.6 (MANE Select); coding-DNA position 94, T replaced by G.
Protein change: p.Cys32Gly; replaces cysteine 32 with glycine.
Molecular consequence: missense variant. On other transcripts: 5 prime UTR variant (2).
Genome position (GRCh38, 1-based): chr18:31,093,619, A>C on the plus strand (T>G on the coding strand, the complement: DSC2 is on the minus strand). VCF-style: chr18-31093619-A-C. GRCh37 (hg19) VCF-style: chr18-28673582-A-C.
Other names: c.-336T>G (NM_001406506.1, NM_001406507.1); c.94T>G, p.Cys32Gly (NM_004949.5); short protein forms C32G.
Identifiers: ClinVar variation 4613992 (VCV004613992.1).

ClinVar aggregate classification (germline): Uncertain significance (1 of 4 stars; one submission).

Conditions:
Cardiovascular phenotype. Identifiers: MedGen CN230736.

Submission:

Ambry Genetics
Classification: Uncertain significance for Cardiovascular phenotype. Last evaluated: 2025-09-25. Review status: criteria provided, single submitter. Criteria: Ambry Variant Classification Scheme 2023. Collection method: clinical testing. Allele origin: germline.
Comment: The p.C32G variant (also known as c.94T>G), located in coding exon 2 of the DSC2 gene, results from a T to G substitution at nucleotide position 94. The cysteine at codon 32 is replaced by glycine, an amino acid with highly dissimilar properties. This amino acid position is highly conserved in available vertebrate species. In addition, the in silico prediction for this alteration is inconclusive. Based on the available evidence, the clinical significance of this variant remains unclear.